The following is an entry in ClinVar:

NM_024422.6(DSC2):c.1685C>T (p.Thr562Ile)

Gene: DSC2 (desmocollin 2; minus strand). Cytogenetic location: 18q12.1.
Variant type: single nucleotide variant.
Coding change: c.1685C>T on transcript NM_024422.6 (MANE Select); coding-DNA position 1685, C replaced by T.
Protein change: p.Thr562Ile; replaces threonine 562 with isoleucine.
Molecular consequence: missense variant.
Genome position (GRCh38, 1-based): chr18:31,074,886, G>A on the plus strand (C>T on the coding strand, the complement: DSC2 is on the minus strand). VCF-style: chr18-31074886-G-A. GRCh37 (hg19) VCF-style: chr18-28654852-G-A.
Other names: c.1256C>T, p.Thr419Ile (NM_001406506.1, NM_001406507.1); c.1685C>T, p.Thr562Ile (NM_004949.5); short protein forms T419I, T562I.
Identifiers: ClinVar variation 4685237 (VCV004685237.1).
Genomic context (GRCh38, chr18:31,074,886, plus strand): 5'-ACTGTCTTTTTAGGTATGAATGGGCTGTTATCATTCACGTCTTGAAGTATAATGCCCAGT[G>A]TCCCCGTACATGTTCTCCCTCCTAGAAAAATGAAAATAAAAATAGTTTTTCTATGTTTTG-3'
Protein context (NP_077740.1, residues 552-572): SDQGGRTCTG[Thr562Ile]LGIILQDVND

ClinVar aggregate classification (germline): Uncertain significance (1 of 4 stars; one submission).

Submission:

GeneDx
Classification: Uncertain significance. Last evaluated: 2025-07-01. Review status: criteria provided, single submitter. Criteria: GeneDx Variant Classification Process June 2021. Collection method: clinical testing. Allele origin: germline. Affected: yes.
Comment: Not observed at significant frequency in large population cohorts (gnomAD); In silico analysis supports that this missense variant has a deleterious effect on protein structure/function; Has not been previously published as pathogenic or benign to our knowledge